The following is an entry in ClinVar:

NM_145698.5(ACBD5):c.1025G>A (p.Arg342His)

Gene: ACBD5 (acyl-CoA binding domain containing 5; minus strand). Cytogenetic location: 10p12.1.
Variant type: single nucleotide variant.
Coding change: c.1025G>A on transcript NM_145698.5 (MANE Select); coding-DNA position 1025, G replaced by A.
Protein change: p.Arg342His; replaces arginine 342 with histidine.
Molecular consequence: missense variant.
Genome position (GRCh38, 1-based): chr10:27,210,993, C>T on the plus strand (G>A on the coding strand, the complement: ACBD5 is on the minus strand). VCF-style: chr10-27210993-C-T. GRCh37 (hg19) VCF-style: chr10-27499922-C-T.
Other names: c.920G>A, p.Arg307His (NM_001042473.4, NM_001352577.2, NM_001352578.2 and 1 more transcripts); c.1019G>A, p.Arg340His (NM_001271512.3); c.698G>A, p.Arg233His (NM_001301251.2, NM_001301252.2, NM_001301253.2 and 2 more transcripts); c.494G>A, p.Arg165His (NM_001301254.2); c.1079G>A, p.Arg360His (NM_001352568.1); c.1058G>A, p.Arg353His (NM_001352569.1); c.1025G>A, p.Arg342His (NM_001352570.1); c.1052G>A, p.Arg351His (NM_001352571.1); and 11 more; short protein forms R165H, R272H, R274H, R307H, R244H, R318H, R342H, R349H.
Identifiers: ClinVar variation 1036581 (VCV001036581.10), dbSNP rs751802868, ClinGen allele CA5450766.

ClinVar aggregate classification (germline): Conflicting classifications of pathogenicity. Review status: criteria provided, conflicting classifications (1 of 4 stars). 3 submissions from 3 submitters: Uncertain significance (2); Likely benign (1). Last evaluated 2023-07-17.

Conditions:
Inborn genetic diseases. Identifiers: MedGen C0950123, MeSH D030342.

Allele frequency attached by ClinVar (database versions not stated): gnomAD 0.00001; TOPMed 0.00001; ExAC 0.00002; gnomAD exomes 0.00002.
gnomAD v4.1: 14 of 1,613,938 alleles (0.00087%); highest among the groups gnomAD compares: Middle Eastern, 0.016%; no homozygotes.

Submissions (3):

Labcorp Genetics (formerly Invitae), Labcorp
Classification: Uncertain significance. Last evaluated: 2023-07-17. Review status: criteria provided, single submitter. Criteria: Invitae Variant Classification Sherloc (09022015). Collection method: clinical testing. Allele origin: germline.
Comment: This variant has not been reported in the literature in individuals affected with ACBD5-related conditions. This variant is present in population databases (rs751802868, gnomAD 0.009%). This sequence change replaces arginine, which is basic and polar, with histidine, which is basic and polar, at codon 342 of the ACBD5 protein (p.Arg342His). ClinVar contains an entry for this variant (Variation ID: 1036581). In summary, the available evidence is currently insufficient to determine the role of this variant in disease. Therefore, it has been classified as a Variant of Uncertain Significance. Advanced modeling of protein sequence and biophysical properties (such as structural, functional, and spatial information, amino acid conservation, physicochemical variation, residue mobility, and thermodynamic stability) performed at Invitae indicates that this missense variant is not expected to disrupt ACBD5 protein function.

GeneDx
Classification: Uncertain significance. Last evaluated: 2022-12-12. Review status: criteria provided, single submitter. Criteria: GeneDx Variant Classification Process June 2021. Collection method: clinical testing. Allele origin: germline. Affected: yes.
Comment: In silico analysis supports that this missense variant does not alter protein structure/function; Has not been previously published as pathogenic or benign to our knowledge

Ambry Genetics
Classification: Likely benign for Inborn genetic diseases. Last evaluated: 2021-06-22. Review status: criteria provided, single submitter. Criteria: Ambry Variant Classification Scheme 2023. Collection method: clinical testing. Allele origin: germline.